The following is an entry in ClinVar:

ClinVar aggregate classification (germline): Uncertain significance (1 of 4 stars; one submission).

Submission:

CeGaT Center for Human Genetics Tuebingen
Classification: Uncertain significance. Last evaluated: 2025-05-01. Review status: criteria provided, single submitter. Criteria: CeGaT Center For Human Genetics Tuebingen Variant Classification Criteria Version 2. Collection method: clinical testing. Allele origin: germline. Affected: yes. Observed: 1 variant allele.
Comment: TNRC6B: PM2, BP4

NM_001162501.2(TNRC6B):c.989G>A (p.Ser330Asn)

Gene: TNRC6B (trinucleotide repeat containing adaptor 6B; plus strand). Cytogenetic location: 22q13.1.
Variant type: single nucleotide variant.
Coding change: c.989G>A on transcript NM_001162501.2 (MANE Select); coding-DNA position 989, G replaced by A.
Protein change: p.Ser330Asn; replaces serine 330 with asparagine.
Molecular consequence: missense variant. On other transcripts: intron variant (1).
Genome position (GRCh38, 1-based): chr22:40,265,219, G>A. VCF-style: chr22-40265219-G-A. GRCh37 (hg19) VCF-style: chr22-40661223-G-A.
Other names: c.989G>A, p.Ser330Asn (NM_015088.3); c.565+3046G>A (NM_001024843.2); short protein forms S330N.
Identifiers: ClinVar variation 3905473 (VCV003905473.10).
Genomic context (GRCh38, chr22:40,265,219, plus strand): 5'-CCTGGCCAGCACTGGTCCAAGAAGGAACTTCTAGGAAAGGGGCATTGGAAACAGATAATA[G>A]TAATTCCAGTGCACAGGTTAGCACAGTAGGTCAGACATCCAGGGAACAGCAGTCAAAGAT-3'
Protein context (NP_001155973.1, residues 320-340): SRKGALETDN[Ser330Asn]NSSAQVSTVG